The following is an entry in ClinVar:

ClinVar aggregate classification (germline): Likely benign (1 of 4 stars; one submission).

Allele frequency attached by ClinVar (database versions not stated): gnomAD 0.00045; 1000 Genomes Project 30x 0.00344; ESP Exome Variant Server 0.00513; ExAC 0.01629.

Submission:

CeGaT Center for Human Genetics Tuebingen
Classification: Likely benign. Last evaluated: 2025-01-01. Review status: criteria provided, single submitter. Criteria: CeGaT Center For Human Genetics Tuebingen Variant Classification Criteria Version 2. Collection method: clinical testing. Allele origin: germline. Affected: yes. Observed: 3 variant alleles.
Comment: MUC5B: BP4, BP7

NM_002458.3(MUC5B):c.11724C>T (p.Ser3908=)

Genes: MUC5B (mucin 5B, oligomeric mucus/gel-forming; plus strand), MUC5B-AS1 (MUC5B antisense RNA 1; minus strand). Cytogenetic location: 11p15.5.
Variant type: single nucleotide variant.
Coding change: c.11724C>T on transcript NM_002458.3 (MANE Select); coding-DNA position 11724, C replaced by T.
Protein change: p.Ser3908=; no amino-acid change (serine 3908 retained).
Molecular consequence: synonymous variant.
Genome position (GRCh38, 1-based): chr11:1,248,604, C>T. VCF-style: chr11-1248604-C-T. GRCh37 (hg19) VCF-style: chr11-1269834-C-T.
Identifiers: ClinVar variation 2641279 (VCV002641279.24), dbSNP rs187611166, ClinGen allele CA5807764.
Genomic context (GRCh38, chr11:1,248,604, plus strand): 5'-AGTGTGGATCAGCACAACCACCACACCCACAACCAGTGGCTCCACGGTGACCCCCTCCTC[C>T]GTCCCGGGGACCACCCACACCCCCACAGTGCTGACCACCACCACCACAACTGTGGCCACT-3'
Protein context (NP_002449.2, residues 3898-3918): TTSGSTVTPS[Ser3908=]VPGTTHTPTV